The following is an entry in ClinVar:

ClinVar aggregate classification (germline): Uncertain significance (1 of 4 stars; one submission).

Conditions:
Hereditary cancer-predisposing syndrome. Also called: Neoplastic Syndromes, Hereditary; Hereditary neoplastic syndrome; Tumor predisposition; Hereditary Cancer Syndrome. Identifiers: Orphanet 140162, MedGen C0027672, MeSH D009386, MONDO:0015356.

Submission:

Ambry Genetics
Classification: Uncertain significance for Hereditary cancer-predisposing syndrome. Last evaluated: 2026-01-18. Review status: criteria provided, single submitter. Criteria: Ambry Variant Classification Scheme 2023. Collection method: clinical testing. Allele origin: germline.
Comment: The p.D1195Y variant (also known as c.3583G>T), located in coding exon 20 of the DICER1 gene, results from a G to T substitution at nucleotide position 3583. The aspartic acid at codon 1195 is replaced by tyrosine, an amino acid with highly dissimilar properties. This amino acid position is conserved. In addition, the in silico prediction for this alteration is inconclusive. Based on the available evidence, the clinical significance of this variant remains unclear.

NM_177438.3(DICER1):c.3583G>T (p.Asp1195Tyr)

Gene: DICER1 (dicer 1, ribonuclease III; minus strand). Cytogenetic location: 14q32.13.
Variant type: single nucleotide variant.
Coding change: c.3583G>T on transcript NM_177438.3 (MANE Select); coding-DNA position 3583, G replaced by T.
Protein change: p.Asp1195Tyr; replaces aspartic acid 1195 with tyrosine.
Molecular consequence: missense variant. On other transcripts: non-coding transcript variant (6).
Genome position (GRCh38, 1-based): chr14:95,103,813, C>A on the plus strand (G>T on the coding strand, the complement: DICER1 is on the minus strand). VCF-style: chr14-95103813-C-A. GRCh37 (hg19) VCF-style: chr14-95570150-C-A.
Other names: c.3583G>T, p.Asp1195Tyr (NM_001195573.1, NM_001271282.3, NM_001291628.2 and 12 more transcripts); c.3301G>T, p.Asp1101Tyr (NM_001395686.1); c.3178G>T, p.Asp1060Tyr (NM_001395687.1, NM_001395688.1, NM_001395689.1 and 2 more transcripts); c.3016G>T, p.Asp1006Tyr (NM_001395691.1); c.1900G>T, p.Asp634Tyr (NM_001395697.1); short protein forms D1060Y, D1006Y, D1195Y, D1101Y, D634Y.
Identifiers: ClinVar variation 4824634 (VCV004824634.1).